The following is an entry in ClinVar:

NM_007227.3(GPR45):c.316T>C (p.Phe106Leu)

Gene: GPR45 (G protein-coupled receptor 45; plus strand). Cytogenetic location: 2q12.1.
Variant type: single nucleotide variant.
Coding change: c.316T>C on transcript NM_007227.3 (MANE Select); coding-DNA position 316, T replaced by C.
Protein change: p.Phe106Leu; replaces phenylalanine 106 with leucine.
Molecular consequence: missense variant.
Genome position (GRCh38, 1-based): chr2:105,242,174, T>C. VCF-style: chr2-105242174-T-C. GRCh37 (hg19) VCF-style: chr2-105858631-T-C.
Other names: short protein forms F106L.
Identifiers: ClinVar variation 2105064 (VCV002105064.4), dbSNP rs1296169376, ClinGen allele CA348099789.

ClinVar aggregate classification (germline): Uncertain significance (1 of 4 stars; one submission).

Submission:

Labcorp Genetics (formerly Invitae), Labcorp
Classification: Uncertain significance. Last evaluated: 2022-03-01. Review status: criteria provided, single submitter. Criteria: Invitae Variant Classification Sherloc (09022015). Collection method: clinical testing. Allele origin: germline.
Comment: In summary, the available evidence is currently insufficient to determine the role of this variant in disease. Therefore, it has been classified as a Variant of Uncertain Significance. Algorithms developed to predict the effect of missense changes on protein structure and function output the following: SIFT: "Deleterious"; PolyPhen-2: "Benign"; Align-GVGD: "Class C15". The leucine amino acid residue is found in multiple mammalian species, which suggests that this missense change does not adversely affect protein function. This variant has not been reported in the literature in individuals affected with GPR45-related conditions. This variant is not present in population databases (gnomAD no frequency). This sequence change replaces phenylalanine, which is neutral and non-polar, with leucine, which is neutral and non-polar, at codon 106 of the GPR45 protein (p.Phe106Leu).